The following is an entry in ClinVar:

ClinVar aggregate classification (germline): Uncertain significance. Review status: criteria provided, multiple submitters, no conflicts (2 of 4 stars). 2 submissions from 2 submitters: Uncertain significance (2). Last evaluated 2025-10-22.

Conditions:
Dilated cardiomyopathy 1O (CMD1O). Also called: CARDIOMYOPATHY, DILATED, WITH VENTRICULAR TACHYCARDIA. Identifiers: Orphanet 154, MedGen C1837839, MONDO:0012062, OMIM 608569.

gnomAD v4.1: 18 of 1,613,308 alleles (0.0011%); highest among the groups gnomAD compares: Non-Finnish European, 0.0015%; no homozygotes.

Submissions (2):

Labcorp Genetics (formerly Invitae), Labcorp
Classification: Uncertain significance for Dilated cardiomyopathy 1O. Last evaluated: 2025-10-22. Review status: criteria provided, single submitter. Criteria: Invitae Variant Classification Sherloc (09022015). Collection method: clinical testing. Allele origin: germline.
Comment: This sequence change replaces serine, which is neutral and polar, with proline, which is neutral and non-polar, at codon 237 of the ABCC9 protein (p.Ser237Pro). This variant is not present in population databases (gnomAD no frequency). This variant has not been reported in the literature in individuals affected with ABCC9-related conditions. ClinVar contains an entry for this variant (Variation ID: 2761369). Invitae Evidence Modeling of protein sequence and biophysical properties (such as structural, functional, and spatial information, amino acid conservation, physicochemical variation, residue mobility, and thermodynamic stability) has been performed for this missense variant. However, the output from this modeling did not meet the statistical confidence thresholds required to predict the impact of this variant on ABCC9 protein function. In summary, the available evidence is currently insufficient to determine the role of this variant in disease. Therefore, it has been classified as a Variant of Uncertain Significance.

Blueprint Genetics
Classification: Uncertain significance. Last evaluated: 2021-03-18. Review status: criteria provided, single submitter. Criteria: ACMG Guidelines, 2015. Collection method: clinical testing. Allele origin: germline.

NM_020297.4(ABCC9):c.709T>C (p.Ser237Pro)

Gene: ABCC9 (ATP binding cassette subfamily C member 9; minus strand). Cytogenetic location: 12p12.1.
Variant type: single nucleotide variant.
Coding change: c.709T>C on transcript NM_020297.4 (MANE Select); coding-DNA position 709, T replaced by C.
Protein change: p.Ser237Pro; replaces serine 237 with proline.
Molecular consequence: missense variant. On other transcripts: intron variant (1).
Genome position (GRCh38, 1-based): chr12:21,915,775, A>G on the plus strand (T>C on the coding strand, the complement: ABCC9 is on the minus strand). VCF-style: chr12-21915775-A-G. GRCh37 (hg19) VCF-style: chr12-22068709-A-G.
Other names: c.709T>C, p.Ser237Pro (NM_001377273.1, NM_005691.4); c.-48-2709T>C (NM_001377274.1); short protein forms S237P.
Identifiers: ClinVar variation 2761369 (VCV002761369.4), dbSNP rs2541735965, ClinGen allele CA384124062.